The following is an entry in ClinVar:

ClinVar aggregate classification (germline): Uncertain significance. Review status: criteria provided, multiple submitters, no conflicts (2 of 4 stars). 2 submissions from 2 submitters: Uncertain significance (2). Last evaluated 2022-07-25.

Conditions:
Eichsfeld type congenital muscular dystrophy (CMYO3). Also called: Rigid spine muscular dystrophy 1; MYOPATHY, SEPN1-RELATED; SELENON-related myopathy; Congenital myopathy 3 with rigid spine. Identifiers: MedGen C0410180, MONDO:0100100, OMIM 602771.

Allele frequency attached by ClinVar (database versions not stated): gnomAD exomes 0.00001.

Submissions (2):

Labcorp Genetics (formerly Invitae), Labcorp
Classification: Uncertain significance for Eichsfeld type congenital muscular dystrophy. Last evaluated: 2022-07-25. Review status: criteria provided, single submitter. Criteria: Invitae Variant Classification Sherloc (09022015). Collection method: clinical testing. Allele origin: germline.
Comment: This sequence change replaces glutamic acid, which is acidic and polar, with lysine, which is basic and polar, at codon 555 of the SELENON protein (p.Glu555Lys). This variant is present in population databases (no rsID available, gnomAD 0.003%). This variant has not been reported in the literature in individuals affected with SELENON-related conditions. ClinVar contains an entry for this variant (Variation ID: 1010984). Algorithms developed to predict the effect of missense changes on protein structure and function are either unavailable or do not agree on the potential impact of this missense change (SIFT: "Deleterious"; PolyPhen-2: "Benign"; Align-GVGD: "Class C0"). In summary, the available evidence is currently insufficient to determine the role of this variant in disease. Therefore, it has been classified as a Variant of Uncertain Significance.

Breakthrough Genomics
Classification: Uncertain significance. Review status: criteria provided, single submitter. Criteria: ACMG Guidelines, 2015. Collection method: not provided. Allele origin: germline. Inheritance: Autosomal recessive inheritance. Affected: yes.

NM_206926.2(SELENON):c.1561G>A (p.Glu521Lys)

Gene: SELENON (selenoprotein N; plus strand). Cytogenetic location: 1p36.11.
Variant type: single nucleotide variant.
Coding change: c.1561G>A on transcript NM_206926.2 (MANE Select); coding-DNA position 1561, G replaced by A.
Protein change: p.Glu521Lys; replaces glutamic acid 521 with lysine.
Molecular consequence: missense variant.
Genome position (GRCh38, 1-based): chr1:25,815,608, G>A. VCF-style: chr1-25815608-G-A. GRCh37 (hg19) VCF-style: chr1-26142099-G-A.
Other names: c.1663G>A, p.Glu555Lys (NM_020451.3); short protein forms E521K, E555K.
Identifiers: ClinVar variation 1010984 (VCV001010984.5), dbSNP rs1187861214, ClinGen allele CA339121241.